The following is an entry in ClinVar:

NM_000059.4(BRCA2):c.6126A>T (p.Gln2042His)

Gene: BRCA2 (BRCA2 DNA repair associated; plus strand). Cytogenetic location: 13q13.1.
Variant type: single nucleotide variant.
Coding change: c.6126A>T on transcript NM_000059.4 (MANE Select); coding-DNA position 6126, A replaced by T.
Protein change: p.Gln2042His; replaces glutamine 2042 with histidine.
Molecular consequence: missense variant. On other transcripts: non-coding transcript variant (1), intron variant (2).
Genome position (GRCh38, 1-based): chr13:32,340,481, A>T. VCF-style: chr13-32340481-A-T. GRCh37 (hg19) VCF-style: chr13-32914618-A-T.
Other names: c.6126A>T, p.Gln2042His (NM_001406719.1, NM_001406720.1); c.1910-4077A>T (NM_001406721.1); c.425-4077A>T (NM_001406722.1); short protein forms Q2042H.
Identifiers: ClinVar variation 2774930 (VCV002774930.2), dbSNP rs2072547127, ClinGen allele CA387788185.
Genomic context (GRCh38, chr13:32,340,481, plus strand): 5'-AGACCAGCTCACAAGAGAAGAAAATACTGCTATACGTACTCCAGAACATTTAATATCCCA[A>T]AAAGGCTTTTCATATAATGTGGTAAATTCATCTGCTTTCTCTGGATTTAGTACAGCAAGT-3'
Protein context (NP_000050.3, residues 2032-2052): AIRTPEHLIS[Gln2042His]KGFSYNVVNS

ClinVar aggregate classification (germline): Uncertain significance (1 of 4 stars; one submission).

Conditions:
Hereditary cancer-predisposing syndrome. Also called: Neoplastic Syndromes, Hereditary; Tumor predisposition; Hereditary Cancer Syndrome; Hereditary neoplastic syndrome. Identifiers: Orphanet 140162, MedGen C0027672, MeSH D009386, MONDO:0015356.

Submission:

Color Diagnostics, LLC DBA Color Health
Classification: Uncertain significance for Hereditary cancer-predisposing syndrome. Last evaluated: 2024-03-06. Review status: criteria provided, single submitter. Criteria: ACMG Guidelines, 2015. Collection method: clinical testing. Allele origin: germline.
Comment: This missense variant replaces glutamine with histidine at codon 2042 of the BRCA2 protein. Computational prediction suggests that this variant may not impact protein structure and function (internally defined REVEL score threshold <= 0.5, PMID: 27666373). To our knowledge, functional studies have not been reported for this variant. This variant has not been reported in individuals affected with hereditary cancer in the literature. This variant has not been identified in the general population by the Genome Aggregation Database (gnomAD). The available evidence is insufficient to determine the role of this variant in disease conclusively. Therefore, this variant is classified as a Variant of Uncertain Significance.